The following is an entry in ClinVar:

NM_001267550.2(TTN):c.31270+12G>T

Gene: TTN (titin; minus strand). Cytogenetic location: 2q31.2.
Variant type: single nucleotide variant.
Coding change: c.31270+12G>T on transcript NM_001267550.2 (MANE Select); 12 bases into the intron after coding-DNA position 31270, G replaced by T.
Molecular consequence: intron variant.
Genome position (GRCh38, 1-based): chr2:178,695,336, C>A on the plus strand (G>T on the coding strand, the complement: TTN is on the minus strand). VCF-style: chr2-178695336-C-A. GRCh37 (hg19) VCF-style: chr2-179560063-C-A.
Other names: c.13282+42746G>T (NM_003319.4); c.13858+42746G>T (NM_133437.4); c.13657+42746G>T (NM_133432.3); c.27538+12G>T (NM_133378.4); c.30319+12G>T (NM_001256850.1).
Identifiers: ClinVar variation 507848 (VCV000507848.16), dbSNP rs564264476, ClinGen allele CA1999004.

ClinVar aggregate classification (germline): Likely benign. Review status: criteria provided, multiple submitters, no conflicts (2 of 4 stars). 6 submissions from 6 submitters: Likely benign (3). 3 of the submissions do not count toward it. Last evaluated 2025-12-29.

Conditions:
Autosomal recessive limb-girdle muscular dystrophy type 2J (LGMDR10). Also called: Limb-girdle muscular dystrophy, type 2J; MUSCULAR DYSTROPHY, LIMB-GIRDLE, AUTOSOMAL RECESSIVE 10. Identifiers: Orphanet 140922, MedGen C1837342, MONDO:0012127, OMIM 608807.
Dilated cardiomyopathy 1G (CMD1G). Identifiers: Orphanet 154, MedGen C1858763, MONDO:0011400, OMIM 604145.

Allele frequency attached by ClinVar (database versions not stated): gnomAD exomes 0.00003 and 0.00006; ExAC 0.00004; gnomAD 0.00006 and 0.00008; TOPMed 0.00010; 1000 Genomes Project 30x 0.00016; 1000 Genomes Project 0.00020.
gnomAD v4.1: 66 of 1,606,672 alleles (0.0041%); highest among the groups gnomAD compares: Middle Eastern, 0.05%; no homozygotes.

Submissions (6):

Labcorp Genetics (formerly Invitae), Labcorp
Classification: Likely benign for Dilated cardiomyopathy 1G; Autosomal recessive limb-girdle muscular dystrophy type 2J. Last evaluated: 2025-12-29. Review status: criteria provided, single submitter. Criteria: Invitae Variant Classification Sherloc (09022015). Collection method: clinical testing. Allele origin: germline.

Blueprint Genetics
Classification: Likely benign. Last evaluated: 2024-10-24. Review status: criteria provided, single submitter. Criteria: ACMG Guidelines, 2015. Collection method: clinical testing. Allele origin: germline.

GeneDx
Classification: Likely benign. Last evaluated: 2017-12-05. Review status: criteria provided, single submitter. Criteria: GeneDx Variant Classification (06012015). Collection method: clinical testing. Allele origin: germline. Affected: yes.
Comment: This variant is considered likely benign or benign based on one or more of the following criteria: it is a conservative change, it occurs at a poorly conserved position in the protein, it is predicted to be benign by multiple in silico algorithms, and/or has population frequency not consistent with disease.

Clinical Genetics DNA and cytogenetics Diagnostics Lab, Erasmus MC, Erasmus Medical Center
Classification: Benign. Review status: no assertion criteria provided. Collection method: clinical testing. Allele origin: germline. Affected: yes. Study: VKGL Data-share Consensus. Not counted in ClinVar's aggregate classification.

Clinical Genetics, Academic Medical Center
Classification: Benign. Review status: no assertion criteria provided. Collection method: clinical testing. Allele origin: germline. Affected: yes. Study: VKGL Data-share Consensus. Not counted in ClinVar's aggregate classification.

Diagnostic Laboratory, Department of Genetics, University Medical Center Groningen
Classification: Likely benign. Review status: no assertion criteria provided. Collection method: clinical testing. Allele origin: germline. Affected: yes. Study: VKGL Data-share Consensus. Not counted in ClinVar's aggregate classification.